The following is an entry in ClinVar:

ClinVar aggregate classification (germline): Likely pathogenic (1 of 4 stars; one submission).

Submission:

Labcorp Genetics (formerly Invitae), Labcorp
Classification: Likely pathogenic. Last evaluated: 2024-02-08. Review status: criteria provided, single submitter. Criteria: Invitae Variant Classification Sherloc (09022015). Collection method: clinical testing. Allele origin: germline.
Comment: This sequence change affects a donor splice site in intron 22 of the TMC1 gene. It is expected to disrupt RNA splicing. Variants that disrupt the donor or acceptor splice site typically lead to a loss of protein function (PMID: 16199547), and loss-of-function variants in TMC1 are known to be pathogenic (PMID: 11850618, 22105175). This variant is not present in population databases (gnomAD no frequency). This variant has not been reported in the literature in individuals affected with TMC1-related conditions. Algorithms developed to predict the effect of sequence changes on RNA splicing suggest that this variant may disrupt the consensus splice site. In summary, the currently available evidence indicates that the variant is pathogenic, but additional data are needed to prove that conclusively. Therefore, this variant has been classified as Likely Pathogenic.

Literature cited by the submitters: PubMed 16199547; PubMed 11850618; PubMed 22105175.

NM_138691.3(TMC1):c.2208+1G>C

Gene: TMC1 (transmembrane channel like 1; plus strand). Cytogenetic location: 9q21.13.
Variant type: single nucleotide variant.
Coding change: c.2208+1G>C on transcript NM_138691.3 (MANE Select); the canonical splice donor site of the intron after coding-DNA position 2208, G replaced by C.
Molecular consequence: splice donor variant.
Genome position (GRCh38, 1-based): chr9:72,830,530, G>C. VCF-style: chr9-72830530-G-C. GRCh37 (hg19) VCF-style: chr9-75445446-G-C.
Identifiers: ClinVar variation 3639691 (VCV003639691.2).